The following is an entry in ClinVar:

ClinVar aggregate classification (germline): Uncertain significance (1 of 4 stars; one submission).

Submission:

Ambry Genetics
Classification: Uncertain significance. Last evaluated: 2021-06-11. Review status: criteria provided, single submitter. Criteria: Ambry Variant Classification Scheme 2023. Collection method: clinical testing. Allele origin: germline.
Comment: The p.K309R variant (also known as c.926A>G), located in coding exon 10 of the PRKDC gene, results from an A to G substitution at nucleotide position 926. The lysine at codon 309 is replaced by arginine, an amino acid with highly similar properties. This amino acid position is conserved. In addition, this alteration is predicted to be tolerated by in silico analysis. Since supporting evidence is limited at this time, the clinical significance of this alteration remains unclear.

NM_006904.7(PRKDC):c.926A>G (p.Lys309Arg)

Gene: PRKDC (protein kinase, DNA-activated, catalytic subunit; minus strand). Cytogenetic location: 8q11.21.
Variant type: single nucleotide variant.
Coding change: c.926A>G on transcript NM_006904.7 (MANE Select); coding-DNA position 926, A replaced by G.
Protein change: p.Lys309Arg; replaces lysine 309 with arginine.
Molecular consequence: missense variant.
Genome position (GRCh38, 1-based): chr8:47,943,249, T>C on the plus strand (A>G on the coding strand, the complement: PRKDC is on the minus strand). VCF-style: chr8-47943249-T-C. GRCh37 (hg19) VCF-style: chr8-48855809-T-C.
Other names: c.926A>G, p.Lys309Arg (NM_001081640.2); short protein forms K309R.
Identifiers: ClinVar variation 1766385 (VCV001766385.2), dbSNP rs2551880602, ClinGen allele CA371136069.
Genomic context (GRCh38, chr8:47,943,249, plus strand): 5'-GACAGTTGAATTTGTGGTACCTGTTTCAGAAAGGATTCCAGGGCTGAAAGTGCAGCTTTT[T>C]TCAATTCTACATTTGTGTGGGCACACCACTTTAACAAGACTTCAAATAGAGACACGTAGT-3'
Protein context (NP_008835.5, residues 299-319): KWCAHTNVEL[Lys309Arg]KAALSALESF